The following is an entry in ClinVar:

NM_000137.4(FAH):c.615del (p.Phe205fs)

Gene: FAH (fumarylacetoacetate hydrolase; plus strand). Cytogenetic location: 15q25.1.
Variant type: Deletion.
Coding change: c.615del on transcript NM_000137.4 (MANE Select); coding-DNA position 615, one base deleted (T; older notation c.615delT).
Protein change: p.Phe205fs; shifts the reading frame from phenylalanine 205.
Molecular consequence: frameshift variant.
Genome position (GRCh38, 1-based): chr15:80,172,157, T deleted; the last of 7 consecutive T bases (chr15:80,172,151-80,172,157); deleting any one gives the same sequence. VCF-style (leftmost placement, unchanged base first): chr15-80172150-CT-C. GRCh37 (hg19) VCF-style: chr15-80464492-CT-C.
Other names: c.615del, p.Phe205fs (NM_001374377.1, NM_001374380.1); short protein forms F205fs.
Identifiers: ClinVar variation 371201 (VCV000371201.10), dbSNP rs1057517084, ClinGen allele CA16041758.

ClinVar aggregate classification (germline): Pathogenic/Likely pathogenic. Review status: criteria provided, multiple submitters, no conflicts (2 of 4 stars). 4 submissions from 4 submitters: Pathogenic (2); Likely pathogenic (1). 1 of the submissions does not count toward it. Last evaluated 2024-12-30.

Conditions:
Tyrosinemia type I (TYRSN1). Also called: Tyrosinemia type 1; Fumarylacetoacetase deficiency; HEPATORENAL TYROSINEMIA; Deficiency of fumarylacetoacetase; FAH DEFICIENCY. Identifiers: Orphanet 882, MedGen C0268490, MONDO:0010161, OMIM 276700. Disease mechanism: loss of function.

Submissions (4):

Natera, Inc.
Classification: Pathogenic for Tyrosinemia type I. Last evaluated: 2024-12-30. Review status: criteria provided, single submitter. Criteria: Natera Variant Classification Schema (03/2026). Collection method: clinical testing. Allele origin: germline.
Comment: The c.615delT variant in FAH is a frameshift variant predicted to shift the reading frame beginning at codon 205 and leads to a stop codon 2 codons downstream. This variant is expected to result in nonsense mediated decay, truncation, or a dysfunctional protein product. This variant is rare in the general population with a frequency below the threshold expected for the associated phenotype(s). This variant has been observed in one or more individuals affected with the associated recessive disease, as either homozygous or compound heterozygous with a second variant (PMID: 22554029). Given the available evidence, this variant is classified as Pathogenic.

Labcorp Genetics (formerly Invitae), Labcorp
Classification: Pathogenic for Tyrosinemia type I. Last evaluated: 2023-03-20. Review status: criteria provided, single submitter. Criteria: Invitae Variant Classification Sherloc (09022015). Collection method: clinical testing. Allele origin: germline.
Comment: For these reasons, this variant has been classified as Pathogenic. ClinVar contains an entry for this variant (Variation ID: 371201). This premature translational stop signal has been observed in individual(s) with tyrosinemia type 1 (PMID: 22554029). This variant is not present in population databases (gnomAD no frequency). This sequence change creates a premature translational stop signal (p.Phe205Leufs*2) in the FAH gene. It is expected to result in an absent or disrupted protein product. Loss-of-function variants in FAH are known to be pathogenic (PMID: 9101289, 9633815).

Genome-Nilou Lab
Classification: Likely pathogenic for Tyrosinemia type I. Last evaluated: 2021-07-22. Review status: criteria provided, single submitter. Criteria: ACMG Guidelines, 2015. Collection method: clinical testing. Allele origin: germline. Affected: no.

Counsyl
Classification: Likely pathogenic for Tyrosinemia type I. Last evaluated: 2016-07-26. Review status: no assertion criteria provided. Collection method: clinical testing. Allele origin: unknown. Not counted in ClinVar's aggregate classification.

Literature cited by the submitters: PubMed 22554029 (cited by 3 submitters); PubMed 9101289 (cited by Labcorp Genetics (formerly Invitae), Labcorp); PubMed 9633815 (cited by Labcorp Genetics (formerly Invitae), Labcorp).